The following is an entry in ClinVar:

NM_000492.4(CFTR):c.2846A>G (p.His949Arg)

Gene: CFTR (CF transmembrane conductance regulator; plus strand). Cytogenetic location: 7q31.2.
Variant type: single nucleotide variant.
Coding change: c.2846A>G on transcript NM_000492.4 (MANE Select); coding-DNA position 2846, A replaced by G.
Protein change: p.His949Arg; replaces histidine 949 with arginine.
Molecular consequence: missense variant.
Genome position (GRCh38, 1-based): chr7:117,603,720, A>G. VCF-style: chr7-117603720-A-G. GRCh37 (hg19) VCF-style: chr7-117243774-A-G.
Other names: short protein forms H949R.
Identifiers: ClinVar variation 53577 (VCV000053577.2), dbSNP rs397508444, ClinGen allele CA326940.

ClinVar aggregate classification (germline): Uncertain significance. Review status: criteria provided, single submitter (1 of 4 stars). 2 submissions from 2 submitters: Uncertain significance (1). 1 of the submissions does not count toward it. Last evaluated 2026-02-09.

Conditions:
Cystic fibrosis (CF). Also called: MUCOVISCIDOSIS. Identifiers: Orphanet 586, MedGen C0010674, MONDO:0009061, OMIM 219700. Disease mechanism: loss of function.

Submissions (2):

Women's Health and Genetics/Laboratory Corporation of America, LabCorp
Classification: Uncertain significance. Last evaluated: 2026-02-09. Review status: criteria provided, single submitter. Criteria: LabCorp Variant Classification Summary - May 2015. Collection method: clinical testing. Allele origin: germline.
Comment: Variant summary: CFTR c.2846A>G (p.His949Arg) results in a non-conservative amino acid change in the encoded protein sequence. Algorithms developed to predict the effect of missense changes on protein structure and function all suggest that this variant is likely to be disruptive. The variant was absent in 251382 control chromosomes. The available data on variant occurrences in the general population are insufficient to allow any conclusion about variant significance. c.2846A>G has been observed in at least 1 individual(s) with an unclear phenotype in a study of individuals with clinical features of cystic fibrosis (example, Dorfman_2010). These report(s) do not provide unequivocal conclusions about association of the variant with Cystic Fibrosis. To our knowledge, no experimental evidence demonstrating an impact on protein function has been reported. The following publications have been ascertained in the context of this evaluation (PMID: 22573477, 25735457, 11504857, 34740355, 9272738, 20059485). ClinVar contains an entry for this variant (Variation ID: 53577). Based on the evidence outlined above, the variant was classified as uncertain significance.

ClinVar Staff, National Center for Biotechnology Information (NCBI)
No classification provided. Condition: CFTR-related disorders. Review status: no classification provided. Collection method: literature only. Allele origin: germline. Affected: yes. Not counted in ClinVar's aggregate classification.

Literature cited by the submitters: PubMed 20059485 (cited by Women's Health and Genetics/Laboratory Corporation of America, LabCorp and ClinVar Staff, National Center for Biotechnology Information (NCBI)); PubMed 9272738 (cited by Women's Health and Genetics/Laboratory Corporation of America, LabCorp); PubMed 11504857 (cited by Women's Health and Genetics/Laboratory Corporation of America, LabCorp); PubMed 25735457 (cited by Women's Health and Genetics/Laboratory Corporation of America, LabCorp); PubMed 22573477 (cited by Women's Health and Genetics/Laboratory Corporation of America, LabCorp); PubMed 34740355 (cited by Women's Health and Genetics/Laboratory Corporation of America, LabCorp).